The following is an entry in ClinVar:

ClinVar aggregate classification (germline): Benign (1 of 4 stars; one submission).

Conditions:
Melanoma-pancreatic cancer syndrome. Identifiers: Orphanet 404560, MedGen C1838547, MONDO:0011713, OMIM 606719. Disease mechanism: loss of function.

gnomAD v4.1: 21 of 1,567,470 alleles (0.0013%); highest among the groups gnomAD compares: South Asian, 0.02%; no homozygotes.

Submission:

Myriad Genetics, Inc.
Classification: Benign for Melanoma-pancreatic cancer syndrome. Last evaluated: 2025-08-18. Review status: criteria provided, single submitter. Criteria: Myriad Autosomal Dominant, Autosomal Recessive and X-Linked Classification Criteria (2023). Collection method: clinical testing. Allele origin: unknown.
Comment: This variant is considered benign. This variant is intronic and is not expected to impact mRNA splicing.

NM_000077.5(CDKN2A):c.458-79G>A

Gene: CDKN2A (cyclin dependent kinase inhibitor 2A; minus strand). Cytogenetic location: 9p21.3.
Variant type: single nucleotide variant.
Coding change: c.458-79G>A on transcript NM_000077.5 (MANE Select); 79 bases into the intron before coding-DNA position 458, G replaced by A.
Molecular consequence: intron variant.
Genome position (GRCh38, 1-based): chr9:21,968,321, C>T on the plus strand (G>A on the coding strand, the complement: CDKN2A is on the minus strand). VCF-style: chr9-21968321-C-T. GRCh37 (hg19) VCF-style: chr9-21968320-C-T.
Other names: c.305-79G>A (NM_001363763.2); c.*102-79G>A (NM_058195.4); c.*151-79G>A (NM_001195132.2); c.*381-79G>A (NM_058197.5).
Identifiers: ClinVar variation 4294134 (VCV004294134.1).